The following is an entry in ClinVar:

NM_000260.4(MYO7A):c.4875C>T (p.Leu1625=)

Gene: MYO7A (myosin VIIA; plus strand). Cytogenetic location: 11q13.5.
Variant type: single nucleotide variant.
Coding change: c.4875C>T on transcript NM_000260.4 (MANE Select); coding-DNA position 4875, C replaced by T.
Protein change: p.Leu1625=; no amino-acid change (leucine 1625 retained).
Molecular consequence: synonymous variant.
Genome position (GRCh38, 1-based): chr11:77,201,470, C>T. VCF-style: chr11-77201470-C-T. GRCh37 (hg19) VCF-style: chr11-76912515-C-T.
Other names: c.4761C>T, p.Leu1587= (NM_001127180.2); c.4728C>T, p.Leu1576= (NM_001369365.1).
Identifiers: ClinVar variation 2128825 (VCV002128825.28), dbSNP rs1203681392, ClinGen allele CA475796698.

ClinVar aggregate classification (germline): Likely benign. Review status: criteria provided, multiple submitters, no conflicts (2 of 4 stars). 2 submissions from 2 submitters: Likely benign (2). Last evaluated 2023-02-01.

Submissions (2):

CeGaT Center for Human Genetics Tuebingen
Classification: Likely benign. Last evaluated: 2023-02-01. Review status: criteria provided, single submitter. Criteria: CeGaT Center For Human Genetics Tuebingen Variant Classification Criteria Version 2. Collection method: clinical testing. Allele origin: germline. Affected: yes. Observed: 1 variant allele.
Comment: MYO7A: PM2:Supporting, BP4, BP7

Labcorp Genetics (formerly Invitae), Labcorp
Classification: Likely benign. Last evaluated: 2022-04-30. Review status: criteria provided, single submitter. Criteria: Invitae Variant Classification Sherloc (09022015). Collection method: clinical testing. Allele origin: germline.